The following is an entry in ClinVar:

ClinVar aggregate classification (germline): Uncertain significance (1 of 4 stars; one submission).

Conditions:
Brugada syndrome. Also called: Sudden unexpected nocturnal death syndrome; Sudden unexplained nocturnal death syndrome; Sudden Unexplained Death Syndrome; Sudden Unexplained Nocturnal Death Syndrome (SUNDS). Identifiers: Orphanet 130, MedGen C1142166, MONDO:0015263.

Submission:

Labcorp Genetics (formerly Invitae), Labcorp
Classification: Uncertain significance for Brugada syndrome. Last evaluated: 2025-07-08. Review status: criteria provided, single submitter. Criteria: Invitae Variant Classification Sherloc (09022015). Collection method: clinical testing. Allele origin: germline.
Comment: This sequence change replaces leucine, which is neutral and non-polar, with glutamine, which is neutral and polar, at codon 808 of the SCN10A protein (p.Leu808Gln). Information on the frequency of this variant in the gnomAD database is not available, as this variant may be reported differently in the database. This variant has not been reported in the literature in individuals affected with SCN10A-related conditions. An algorithm developed to predict the effect of missense changes on protein structure and function (PolyPhen-2) suggests that this variant is likely to be disruptive. In summary, the available evidence is currently insufficient to determine the role of this variant in disease. Therefore, it has been classified as a Variant of Uncertain Significance.

NM_006514.4(SCN10A):c.2423_2424delinsAA (p.Leu808Gln)

Gene: SCN10A (sodium voltage-gated channel alpha subunit 10; minus strand). Cytogenetic location: 3p22.2.
Variant type: Indel.
Coding change: c.2423_2424delinsAA on transcript NM_006514.4 (MANE Select); coding-DNA positions 2423 to 2424, TC replaced by AA.
Protein change: p.Leu808Gln; replaces leucine 808 with glutamine.
Molecular consequence: missense variant.
Genome position (GRCh38, 1-based): chr3:38,728,758-38,728,759, GA replaced by TT on the plus strand (TC replaced by AA on the coding strand, the reverse complement: SCN10A is on the minus strand). VCF-style: chr3-38728758-GA-TT. GRCh37 (hg19) VCF-style: chr3-38770249-GA-TT.
Other names: c.2423_2424delinsAA, p.Leu808Gln (NM_001293306.2); c.2129_2130delinsAA, p.Leu710Gln (NM_001293307.2); short protein forms L808Q, L710Q.
Identifiers: ClinVar variation 4722847 (VCV004722847.1).